The following is an entry in ClinVar:

NM_013266.4(CTNNA3):c.1823A>G (p.Asp608Gly)

Gene: CTNNA3 (catenin alpha 3; minus strand). Cytogenetic location: 10q21.3.
Variant type: single nucleotide variant.
Coding change: c.1823A>G on transcript NM_013266.4 (MANE Select); coding-DNA position 1823, A replaced by G.
Protein change: p.Asp608Gly; replaces aspartic acid 608 with glycine.
Molecular consequence: missense variant.
Genome position (GRCh38, 1-based): chr10:66,280,531, T>C on the plus strand (A>G on the coding strand, the complement: CTNNA3 is on the minus strand). VCF-style: chr10-66280531-T-C. GRCh37 (hg19) VCF-style: chr10-68040289-T-C.
Other names: c.1823A>G, p.Asp608Gly (NM_001127384.3); short protein forms D608G.
Identifiers: ClinVar variation 1389821 (VCV001389821.8), dbSNP rs138314889, ClinGen allele CA377090974.

ClinVar aggregate classification (germline): Uncertain significance (1 of 4 stars; one submission).

Conditions:
Arrhythmogenic right ventricular dysplasia 13. Also called: Arrhythmogenic right ventricular dysplasia, familial, 13; ARRHYTHMOGENIC RIGHT VENTRICULAR CARDIOMYOPATHY 13. Identifiers: MedGen C3810138, MONDO:0000908, OMIM 615616.

Submission:

Labcorp Genetics (formerly Invitae), Labcorp
Classification: Uncertain significance for Arrhythmogenic right ventricular dysplasia 13. Last evaluated: 2022-03-18. Review status: criteria provided, single submitter. Criteria: Invitae Variant Classification Sherloc (09022015). Collection method: clinical testing. Allele origin: germline.
Comment: Algorithms developed to predict the effect of missense changes on protein structure and function are either unavailable or do not agree on the potential impact of this missense change (SIFT: "Tolerated"; PolyPhen-2: "Not Available"; Align-GVGD: "Class C0"). In summary, the available evidence is currently insufficient to determine the role of this variant in disease. Therefore, it has been classified as a Variant of Uncertain Significance. This variant has not been reported in the literature in individuals affected with CTNNA3-related conditions. This variant is not present in population databases (gnomAD no frequency). This sequence change replaces aspartic acid, which is acidic and polar, with glycine, which is neutral and non-polar, at codon 608 of the CTNNA3 protein (p.Asp608Gly).